The following is an entry in ClinVar:

NM_001126108.2(SLC12A3):c.283del (p.Gln95fs)

Gene: SLC12A3 (solute carrier family 12 member 3; plus strand). Cytogenetic location: 16q13.
Variant type: Deletion.
Coding change: c.283del on transcript NM_001126108.2 (MANE Select); coding-DNA position 283, one base deleted (C; older notation c.283delC).
Protein change: p.Gln95fs; shifts the reading frame from glutamine 95.
Molecular consequence: frameshift variant. On other transcripts: intron variant (1).
Genome position (GRCh38, 1-based): chr16:56,867,070, C deleted. VCF-style (leftmost placement, unchanged base first): chr16-56867069-GC-G. GRCh37 (hg19) VCF-style: chr16-56900981-GC-G.
Other names: c.283delC (NM_000339.3); c.283del, p.Gln95fs (NM_000339.3); c.283-3del (NM_001126107.2); c.283del (NM_000339.2); short protein forms Q95fs.
Identifiers: ClinVar variation 448955 (VCV000448955.18), dbSNP rs1555499234, ClinGen allele CA658658472.

ClinVar aggregate classification (germline): Pathogenic. Review status: criteria provided, multiple submitters, no conflicts (2 of 4 stars). 8 submissions from 8 submitters: Pathogenic (8). Last evaluated 2026-05-01.

Conditions:
SLC12A3-related disorder. Also called: SLC12A3-related condition.
Familial hypokalemia-hypomagnesemia (GTLMNS). Also called: HYPOMAGNESEMIA-HYPOKALEMIA, PRIMARY RENOTUBULAR, WITH HYPOCALCIURIA; gitelman syndrome; POTASSIUM AND MAGNESIUM DEPLETION. Identifiers: Orphanet 358, MedGen C0268450, MONDO:0009904, OMIM 263800.

Allele frequency attached by ClinVar (database versions not stated): gnomAD exomes below 0.00001.

Submissions (8):

CeGaT Center for Human Genetics Tuebingen
Classification: Pathogenic. Last evaluated: 2026-05-01. Review status: criteria provided, single submitter. Criteria: CeGaT Center For Human Genetics Tuebingen Variant Classification Criteria Version 2. Collection method: clinical testing. Allele origin: germline. Affected: yes. Observed: 1 variant allele.
Comment: SLC12A3: PVS1, PM3:Strong, PM2

Natera, Inc.
Classification: Pathogenic for Gitelman syndrome. Last evaluated: 2025-02-18. Review status: criteria provided, single submitter. Criteria: Natera Variant Classification Schema (03/2026). Collection method: clinical testing. Allele origin: germline.
Comment: The c.283del variant in SLC12A3 is a frameshift variant predicted to shift the reading frame beginning at codon 95 and leads to a stop codon 19 codons downstream. This variant is expected to result in nonsense mediated decay, truncation, or a dysfunctional protein product. This variant is rare in the general population with a frequency below the threshold expected for the associated phenotype(s). This variant has been observed in one or more individuals affected with the associated recessive disease, as either homozygous or compound heterozygous with a second variant (PMID: 27872838). Additionally, this variant has been observed to segregate in affected family members (PMID: 27872838). Given the available evidence, this variant is classified as Pathogenic.

Blueprint Genetics
Classification: Pathogenic for SLC12A3-related disorders. Last evaluated: 2024-10-21. Review status: criteria provided, single submitter. Criteria: ACMG Guidelines, 2015. Collection method: clinical testing. Allele origin: germline. Affected: yes. Observed: 4 variant alleles.

Labcorp Genetics (formerly Invitae), Labcorp
Classification: Pathogenic. Last evaluated: 2023-07-11. Review status: criteria provided, single submitter. Criteria: Invitae Variant Classification Sherloc (09022015). Collection method: clinical testing. Allele origin: germline.
Comment: ClinVar contains an entry for this variant (Variation ID: 448955). This variant is also known as Q95fs. This premature translational stop signal has been observed in individual(s) with Gitelman syndrome (PMID: 17699451, 27872838). It has also been observed to segregate with disease in related individuals. This variant is not present in population databases (gnomAD no frequency). This sequence change creates a premature translational stop signal (p.Gln95Argfs*19) in the SLC12A3 gene. It is expected to result in an absent or disrupted protein product. Loss-of-function variants in SLC12A3 are known to be pathogenic (PMID: 20848653, 22009145, 25841442). For these reasons, this variant has been classified as Pathogenic. Algorithms developed to predict the effect of sequence changes on RNA splicing suggest that this variant may disrupt the consensus splice site.

Genome-Nilou Lab
Classification: Pathogenic for Familial hypokalemia-hypomagnesemia. Last evaluated: 2021-07-15. Review status: criteria provided, single submitter. Criteria: ACMG Guidelines, 2015. Collection method: clinical testing. Allele origin: germline. Affected: no.

Fulgent Genetics
Classification: Pathogenic for Familial hypokalemia-hypomagnesemia. Last evaluated: 2021-07-08. Review status: criteria provided, single submitter. Criteria: ACMG Guidelines, 2015. Collection method: clinical testing. Allele origin: unknown.

GeneDx
Classification: Pathogenic. Last evaluated: 2019-01-23. Review status: criteria provided, single submitter. Criteria: GeneDx Variant Classification (06012015). Collection method: clinical testing. Allele origin: germline. Affected: yes.
Comment: The c.283delC pathogenic variant in the SLC12A3 gene has been reported previously with another SLC12A3 variant in several individuals with Gitelman syndrome (Colussi et al., 2007; Corbetta et al., 2015; Grillone et al., 2016). The c.283delC variant causes a frameshift starting with codon Glutamine 95, changes this amino acid to an Arginine residue, and creates a premature Stop codon at position 19 of the new reading frame, denoted p.Gln95ArgfsX19. This variant is predicted to cause loss of normal protein function either through protein truncation or nonsense-mediated mRNA decay. The c.283delC variant is not observed in large population cohorts (Lek et al., 2016). We interpret c.283delC as a pathogenic variant.

Medical Genetics UMG, Mater Domini University Hospital/ Magna Graecia University of Catanzaro
Classification: Pathogenic for Gitelman Syndrome. Last evaluated: 2016-03-24. Review status: criteria provided, single submitter. Criteria: Grillone T et al. (World J Nephrol 2016). Collection method: clinical testing. Allele origin: germline. Affected: yes.

Literature cited by the submitters: PubMed 27872838 (cited by Natera, Inc. and Labcorp Genetics (formerly Invitae), Labcorp); PubMed 17699451 (cited by Labcorp Genetics (formerly Invitae), Labcorp); PubMed 20848653 (cited by Labcorp Genetics (formerly Invitae), Labcorp); PubMed 22009145 (cited by Labcorp Genetics (formerly Invitae), Labcorp); PubMed 25841442 (cited by Labcorp Genetics (formerly Invitae), Labcorp).